The following is an entry in ClinVar:

NM_001127898.4(CLCN5):c.1654G>A (p.Glu552Lys)

Gene: CLCN5 (chloride voltage-gated channel 5; plus strand). Cytogenetic location: Xp11.23.
Variant type: single nucleotide variant.
Coding change: c.1654G>A on transcript NM_001127898.4 (MANE Select); coding-DNA position 1654, G replaced by A.
Protein change: p.Glu552Lys; replaces glutamic acid 552 with lysine.
Molecular consequence: missense variant.
Genome position (GRCh38, 1-based): chrX:50,088,794, G>A. VCF-style: chrX-50088794-G-A. GRCh37 (hg19) VCF-style: chrX-49853451-G-A.
Other names: c.1444G>A, p.Glu482Lys (NM_000084.5); c.1654G>A, p.Glu552Lys (NM_001127899.4); c.1504G>A, p.Glu502Lys (NM_001282163.2); short protein forms E482K, E552K, E502K.
Identifiers: ClinVar variation 2842563 (VCV002842563.3), dbSNP rs782148776, ClinGen allele CA10413910.

ClinVar aggregate classification (germline): Uncertain significance (1 of 4 stars; one submission).

Allele frequency attached by ClinVar (database versions not stated): ExAC 0.00001; gnomAD 0.00001; 1000 Genomes Project 0.00026; 1000 Genomes Project 30x 0.00042.
gnomAD v4.1: 1 of 1,209,734 alleles (0.000083%); highest among the groups gnomAD compares: African/African-American, 0.0017%; no homozygotes.

Submission:

Labcorp Genetics (formerly Invitae), Labcorp
Classification: Uncertain significance. Last evaluated: 2023-03-04. Review status: criteria provided, single submitter. Criteria: Invitae Variant Classification Sherloc (09022015). Collection method: clinical testing. Allele origin: germline.
Comment: This sequence change replaces glutamic acid, which is acidic and polar, with lysine, which is basic and polar, at codon 482 of the CLCN5 protein (p.Glu482Lys). This variant is present in population databases (rs782148776, gnomAD 0.008%). This variant has not been reported in the literature in individuals affected with CLCN5-related conditions. An algorithm developed to predict the effect of missense changes on protein structure and function (PolyPhen-2) suggests that this variant is likely to be tolerated. In summary, the available evidence is currently insufficient to determine the role of this variant in disease. Therefore, it has been classified as a Variant of Uncertain Significance.